The following is an entry in ClinVar:

ClinVar aggregate classification (germline): Uncertain significance. Review status: criteria provided, multiple submitters, no conflicts (2 of 4 stars). 4 submissions from 4 submitters: Uncertain significance (3). 1 of the submissions does not count toward it. Last evaluated 2026-01-28.

Conditions:
TMEM43-related disorder. Also called: TMEM43-related condition.
Cardiomyopathy (CMYO). Also called: Cardiomyopathies. Identifiers: Orphanet 167848, MedGen C0878544, MONDO:0004994, HP:0001638. Inheritance: Various modes of inheritance.
Arrhythmogenic right ventricular dysplasia 5. Also called: Arrhythmogenic Right Ventricular Dysplasia/Cardiomyopathy 5; ARRHYTHMOGENIC RIGHT VENTRICULAR DYSPLASIA, FAMILIAL, 5. Identifiers: MedGen C1858379, MONDO:0011459, OMIM 604400.

Submissions (4):

Labcorp Genetics (formerly Invitae), Labcorp
Classification: Uncertain significance for Arrhythmogenic right ventricular dysplasia 5. Last evaluated: 2026-01-28. Review status: criteria provided, single submitter. Criteria: Invitae Variant Classification Sherloc (09022015). Collection method: clinical testing. Allele origin: germline.
Comment: This sequence change is expected to alter the c-terminus of the TMEM43 protein (p.Leu311Serfs*110). While this is not anticipated to result in nonsense mediated decay, it is expected to disrupt the last 90 amino acid(s) of the TMEM43 protein and extend the protein by 19 additional amino acid residues. This variant is not present in population databases (gnomAD no frequency). This variant has not been reported in the literature in individuals affected with TMEM43-related conditions. ClinVar contains an entry for this variant (Variation ID: 1677849). Experimental studies and prediction algorithms are not available or were not evaluated, and the functional significance of this variant is currently unknown. In summary, the available evidence is currently insufficient to determine the role of this variant in disease. Therefore, it has been classified as a Variant of Uncertain Significance.

Color Diagnostics, LLC DBA Color Health
Classification: Uncertain significance for Cardiomyopathy. Last evaluated: 2025-01-06. Review status: criteria provided, single submitter. Criteria: ACMG Guidelines, 2015. Collection method: clinical testing. Allele origin: germline.
Comment: This variant deletes 8 nucleotides in exon 11 of the TMEM43 gene, creating a frameshift and premature translation stop signal. This variant is expected to result in an absent or non-functional protein product. To our knowledge, this variant has not been reported in individuals affected with cardiovascular disorders in the literature. This variant has not been identified in the general population by the Genome Aggregation Database (gnomAD). Clinical relevance of loss-of-function truncation and splice variants in the TMEM43 gene is not clearly established. The available evidence is insufficient to determine the role of this variant in disease conclusively. Therefore, this variant is classified as a Variant of Uncertain Significance.

AiLife Diagnostics
Classification: Uncertain significance. Last evaluated: 2022-01-26. Review status: criteria provided, single submitter. Criteria: ACMG Guidelines, 2015. Collection method: clinical testing. Allele origin: germline. Affected: yes. Observed: 1 variant allele.

PreventionGenetics, part of Exact Sciences
Classification: Uncertain significance for TMEM43-related condition. Last evaluated: 2024-06-03. Review status: no assertion criteria provided. Collection method: clinical testing. Allele origin: germline. Not counted in ClinVar's aggregate classification.
Comment: The TMEM43 c.931_938del8 variant is predicted to result in a frameshift and premature protein termination (p.Leu311Serfs*110). To our knowledge, this variant has not been reported in the literature or in a large population database, indicating this variant is rare. At this time, the clinical significance of this variant is uncertain due to the absence of conclusive functional and genetic evidence.

NM_024334.3(TMEM43):c.931_938del (p.Leu311fs)

Gene: TMEM43 (transmembrane protein 43; plus strand). Cytogenetic location: 3p25.1.
Variant type: Deletion.
Coding change: c.931_938del on transcript NM_024334.3 (MANE Select); coding-DNA positions 931 to 938, 8 bases deleted (CTGCGGGC; older notation c.931_938delCTGCGGGC).
Protein change: p.Leu311fs; shifts the reading frame from leucine 311.
Molecular consequence: frameshift variant.
Genome position (GRCh38, 1-based): chr3:14,139,228-14,139,235, CTGCGGGC deleted; deleting any 8 consecutive bases within chr3:14,139,224-14,139,235 gives the same sequence; the c. name uses the placement nearest the transcript's 3' end. VCF-style (leftmost placement, unchanged base first): chr3-14139223-GGGGCCTGC-G. GRCh37 (hg19) VCF-style: chr3-14180723-GGGGCCTGC-G.
Other names: c.931_938del8 (NM_024334.2); short protein forms L311fs.
Identifiers: ClinVar variation 1677849 (VCV001677849.4), dbSNP rs1301098386, ClinGen allele CA899784568.
Genomic context (GRCh38, chr3:14,139,223, plus strand): 5'-CCCACCTTGTCCTGCAGGAGGTGTTTCATAGAGAACTAAGGAGCAACTCCATGAAGACCT[GGGGCCTGC>G]GGGCAGCTGGCTGGATGGCCATGTTCATGGGCCTCAACCTTATGACACGGATCCTCTACA-3'